The following is an entry in ClinVar:

NM_001127222.2(CACNA1A):c.2932C>T (p.Arg978Trp)

Gene: CACNA1A (calcium voltage-gated channel subunit alpha1 A; minus strand). Cytogenetic location: 19p13.13.
Variant type: single nucleotide variant.
Coding change: c.2932C>T on transcript NM_001127222.2 (MANE Select); coding-DNA position 2932, C replaced by T.
Protein change: p.Arg978Trp; replaces arginine 978 with tryptophan.
Molecular consequence: missense variant.
Genome position (GRCh38, 1-based): chr19:13,298,701, G>A on the plus strand (C>T on the coding strand, the complement: CACNA1A is on the minus strand). VCF-style: chr19-13298701-G-A. GRCh37 (hg19) VCF-style: chr19-13409515-G-A.
Other names: c.2944C>T, p.Arg982Trp (NM_000068.4, NM_023035.3); c.2935C>T, p.Arg979Trp (NM_001127221.2, NM_001174080.2); short protein forms R978W, R979W, R982W.
Identifiers: ClinVar variation 1306322 (VCV001306322.11), dbSNP rs1361244265, ClinGen allele CA404342419.

ClinVar aggregate classification (germline): Uncertain significance. Review status: criteria provided, multiple submitters, no conflicts (2 of 4 stars). 3 submissions from 3 submitters: Uncertain significance (3). Last evaluated 2024-10-24.

Conditions:
Inborn genetic diseases. Identifiers: MedGen C0950123, MeSH D030342.
Episodic ataxia type 2 (EA2). Also called: ATAXIA, EPISODIC, WITH NYSTAGMUS; ATAXIA, FAMILIAL PAROXYSMAL; CEREBELLAR ATAXIA, PAROXYSMAL, ACETAZOLAMIDE-RESPONSIVE; CEREBELLOPATHY, HEREDITARY PAROXYSMAL; EPISODIC ATAXIA, NYSTAGMUS-ASSOCIATED; ACETAZOLAMIDE-RESPONSIVE HEREDITARY PAROXYSMAL CEREBELLAR ATAXIA. Identifiers: Orphanet 97, MedGen C1720416, MONDO:0007163, OMIM 108500.
Developmental and epileptic encephalopathy, 42 (DEE42A). Also called: Epileptic encephalopathy, early infantile, 42; DEVELOPMENTAL AND EPILEPTIC ENCEPHALOPATHY 42A; EPILEPTIC ENCEPHALOPATHY, EARLY INFANTILE, 42A. Identifiers: MedGen C4310716, MONDO:0014917, OMIM 617106.

Allele frequency attached by ClinVar (database versions not stated): TOPMed below 0.00001; gnomAD 0.00001.
gnomAD v4.1: 10 of 1,459,412 alleles (0.00069%); highest among the groups gnomAD compares: Admixed American, 0.0085%; no homozygotes.

Submissions (3):

Labcorp Genetics (formerly Invitae), Labcorp
Classification: Uncertain significance for Developmental and epileptic encephalopathy, 42; Episodic ataxia type 2. Last evaluated: 2024-10-24. Review status: criteria provided, single submitter. Criteria: Invitae Variant Classification Sherloc (09022015). Collection method: clinical testing. Allele origin: germline.
Comment: This sequence change replaces arginine, which is basic and polar, with tryptophan, which is neutral and slightly polar, at codon 979 of the CACNA1A protein (p.Arg979Trp). The frequency data for this variant in the population databases is considered unreliable, as metrics indicate poor data quality at this position in the gnomAD database. This variant has not been reported in the literature in individuals affected with CACNA1A-related conditions. ClinVar contains an entry for this variant (Variation ID: 1306322). Invitae Evidence Modeling of protein sequence and biophysical properties (such as structural, functional, and spatial information, amino acid conservation, physicochemical variation, residue mobility, and thermodynamic stability) has been performed for this missense variant. However, the output from this modeling did not meet the statistical confidence thresholds required to predict the impact of this variant on CACNA1A protein function. In summary, the available evidence is currently insufficient to determine the role of this variant in disease. Therefore, it has been classified as a Variant of Uncertain Significance.

GeneDx
Classification: Uncertain significance. Last evaluated: 2022-11-18. Review status: criteria provided, single submitter. Criteria: GeneDx Variant Classification Process June 2021. Collection method: clinical testing. Allele origin: germline. Affected: yes.
Comment: In silico analysis supports that this missense variant has a deleterious effect on protein structure/function; Has not been previously published as pathogenic or benign to our knowledge

Ambry Genetics
Classification: Uncertain significance for Inborn genetic diseases. Last evaluated: 2017-11-03. Review status: criteria provided, single submitter. Criteria: Ambry Variant Classification Scheme 2023. Collection method: clinical testing. Allele origin: germline.
Comment: The p.R979W variant (also known as c.2935C>T), located in coding exon 19 of the CACNA1A gene, results from a C to T substitution at nucleotide position 2935. The arginine at codon 979 is replaced by tryptophan, an amino acid with dissimilar properties. This amino acid position is conserved on limited sequence alignment. In addition, the in silico prediction for this alteration is inconclusive. Since supporting evidence is limited at this time, the clinical significance of this alteration remains unclear.